The following is an entry in ClinVar:

NM_021922.3(FANCE):c.379C>G (p.Pro127Ala)

Gene: FANCE (FA complementation group E; plus strand). Cytogenetic location: 6p21.31.
Variant type: single nucleotide variant.
Coding change: c.379C>G on transcript NM_021922.3 (MANE Select); coding-DNA position 379, C replaced by G.
Protein change: p.Pro127Ala; replaces proline 127 with alanine.
Molecular consequence: missense variant.
Genome position (GRCh38, 1-based): chr6:35,455,877, C>G. VCF-style: chr6-35455877-C-G. GRCh37 (hg19) VCF-style: chr6-35423654-C-G.
Other names: c.379C>G, p.Pro127Ala (NM_001410876.1); short protein forms P127A.
Identifiers: ClinVar variation 1964451 (VCV001964451.4), dbSNP rs2533658170, ClinGen allele CA363772791.

ClinVar aggregate classification (germline): Uncertain significance. Review status: criteria provided, multiple submitters, no conflicts (2 of 4 stars). 2 submissions from 2 submitters: Uncertain significance (2). Last evaluated 2024-04-24.

Conditions:
Fanconi anemia complementation group E (FANCE). Also called: FANCE-Related Fanconi Anemia. Identifiers: Orphanet 84, MedGen C3160739, MONDO:0010953, OMIM 600901.

gnomAD v4.1: 3 of 1,614,176 alleles (0.00019%); highest among the groups gnomAD compares: Non-Finnish European, 0.00025%; no homozygotes.

Submissions (2):

Fulgent Genetics
Classification: Uncertain significance for Fanconi anemia complementation group E. Last evaluated: 2024-04-24. Review status: criteria provided, single submitter. Criteria: ACMG Guidelines, 2015. Collection method: clinical testing. Allele origin: germline.

Labcorp Genetics (formerly Invitae), Labcorp
Classification: Uncertain significance for Fanconi anemia complementation group E. Last evaluated: 2022-03-29. Review status: criteria provided, single submitter. Criteria: Invitae Variant Classification Sherloc (09022015). Collection method: clinical testing. Allele origin: germline.
Comment: In summary, the available evidence is currently insufficient to determine the role of this variant in disease. Therefore, it has been classified as a Variant of Uncertain Significance. Algorithms developed to predict the effect of missense changes on protein structure and function (SIFT, PolyPhen-2, Align-GVGD) all suggest that this variant is likely to be tolerated. This variant has not been reported in the literature in individuals affected with FANCE-related conditions. This variant is not present in population databases (gnomAD no frequency). This sequence change replaces proline, which is neutral and non-polar, with alanine, which is neutral and non-polar, at codon 127 of the FANCE protein (p.Pro127Ala).